The following is an entry in ClinVar:

ClinVar aggregate classification (germline): Uncertain significance (1 of 4 stars; one submission).

Conditions:
Developmental and epileptic encephalopathy, 8 (DEE8). Also called: HYPEREKPLEXIA AND EPILEPSY. Identifiers: Orphanet 163985, Orphanet 2076, MedGen C1845102, MONDO:0010375, OMIM 300607.

Allele frequency attached by ClinVar (database versions not stated): gnomAD exomes below 0.00001 and 0.00001.
gnomAD v4.1: 3 of 1,207,173 alleles (0.00025%); highest among the groups gnomAD compares: Non-Finnish European, 0.00034%; no homozygotes.

Submission:

Labcorp Genetics (formerly Invitae), Labcorp
Classification: Uncertain significance for Early infantile epileptic encephalopathy 8. Last evaluated: 2019-01-23. Review status: criteria provided, single submitter. Criteria: Invitae Variant Classification Sherloc (09022015). Collection method: clinical testing. Allele origin: germline.
Comment: This sequence change replaces arginine with tryptophan at codon 100 of the ARHGEF9 protein (p.Arg100Trp). The arginine residue is highly conserved and there is a moderate physicochemical difference between arginine and tryptophan. This variant is not present in population databases (ExAC no frequency). This variant has not been reported in the literature in individuals with ARHGEF9-related conditions. Algorithms developed to predict the effect of missense changes on protein structure and function (SIFT, PolyPhen-2, Align-GVGD) all suggest that this variant is likely to be disruptive, but these predictions have not been confirmed by published functional studies and their clinical significance is uncertain. In summary, the available evidence is currently insufficient to determine the role of this variant in disease. Therefore, it has been classified as a Variant of Uncertain Significance.

NM_001353921.2(ARHGEF9):c.319C>T (p.Arg107Trp)

Gene: ARHGEF9 (Cdc42 guanine nucleotide exchange factor 9; minus strand). Cytogenetic location: Xq11.1.
Variant type: single nucleotide variant.
Coding change: c.319C>T on transcript NM_001353921.2 (MANE Select); coding-DNA position 319, C replaced by T.
Protein change: p.Arg107Trp; replaces arginine 107 with tryptophan.
Molecular consequence: missense variant. On other transcripts: 5 prime UTR variant (3).
Genome position (GRCh38, 1-based): chrX:63,706,341, G>A on the plus strand (C>T on the coding strand, the complement: ARHGEF9 is on the minus strand). VCF-style: chrX-63706341-G-A. GRCh37 (hg19) VCF-style: chrX-62926221-G-A.
Other names: c.139C>T, p.Arg47Trp (NM_001173479.2); c.-9C>T (NM_001173480.2, NM_001369042.1); c.235C>T, p.Arg79Trp (NM_001330495.2, NM_001353927.2, NM_001369033.1 and 8 more transcripts); c.319C>T, p.Arg107Trp (NM_001353922.2); c.337C>T, p.Arg113Trp (NM_001353923.1); c.118C>T, p.Arg40Trp (NM_001353924.2, NM_001353926.2, NM_001369039.1 and 1 more transcripts); c.298C>T, p.Arg100Trp (NM_001353928.2, NM_001369030.1, NM_001369031.1 and 2 more transcripts); c.-385C>T (NM_001369045.1); short protein forms R100W, R113W, R47W, R79W, R107W, R40W.
Identifiers: ClinVar variation 843287 (VCV000843287.1), dbSNP rs1556401755, ClinGen allele CA413402012.